The following is an entry in ClinVar:

ClinVar aggregate classification (germline): Uncertain significance. Review status: criteria provided, multiple submitters, no conflicts (2 of 4 stars). 6 submissions from 5 submitters: Uncertain significance (5). 1 of the submissions does not count toward it. Last evaluated 2026-01-18.

Conditions:
Mitochondrial trifunctional protein deficiency. Identifiers: Orphanet 746, MedGen C1969443, MONDO:0012172.
Long chain 3-hydroxyacyl-CoA dehydrogenase deficiency. Also called: LCHAD Deficiency; Deficiency of long-chain 3-hydroxyacyl-coenzyme A dehydrogenase. Identifiers: Orphanet 5, MedGen C3711645, MONDO:0012173, OMIM 609016.
Inborn genetic diseases. Identifiers: MedGen C0950123, MeSH D030342.

Allele frequency attached by ClinVar (database versions not stated): ExAC 0.00007; gnomAD exomes 0.00007 and 0.00008; gnomAD 0.00013 and 0.00016; ESP Exome Variant Server 0.00015; TOPMed 0.00032.
gnomAD v4.1: 156 of 1,612,650 alleles (0.0097%); highest among the groups gnomAD compares: Middle Eastern, 0.049%; no homozygotes.

Submissions (6):

Labcorp Genetics (formerly Invitae), Labcorp
Classification: Uncertain significance for Mitochondrial trifunctional protein deficiency; Long chain 3-hydroxyacyl-CoA dehydrogenase deficiency. Last evaluated: 2026-01-18. Review status: criteria provided, single submitter. Criteria: Invitae Variant Classification Sherloc (09022015). Collection method: clinical testing. Allele origin: germline.
Comment: This sequence change replaces alanine, which is neutral and non-polar, with threonine, which is neutral and polar, at codon 109 of the HADHA protein (p.Ala109Thr). This variant is present in population databases (rs368388214, gnomAD 0.007%). This variant has not been reported in the literature in individuals affected with HADHA-related conditions. ClinVar contains an entry for this variant (Variation ID: 646417). Invitae Evidence Modeling of protein sequence and biophysical properties (such as structural, functional, and spatial information, amino acid conservation, physicochemical variation, residue mobility, and thermodynamic stability) indicates that this missense variant is not expected to disrupt HADHA protein function with a negative predictive value of 80%. In summary, the available evidence is currently insufficient to determine the role of this variant in disease. Therefore, it has been classified as a Variant of Uncertain Significance.

Ambry Genetics
Classification: Uncertain significance for Inborn genetic diseases. Last evaluated: 2024-05-30. Review status: criteria provided, single submitter. Criteria: Ambry Variant Classification Scheme 2023. Collection method: clinical testing. Allele origin: germline.

GeneDx
Classification: Uncertain significance. Last evaluated: 2020-04-13. Review status: criteria provided, single submitter. Criteria: GeneDx Variant Classification Process June 2021. Collection method: clinical testing. Allele origin: germline. Affected: yes.
Comment: Not observed at a significant frequency in large population cohorts (Lek et al., 2016); In silico analysis supports that this missense variant does not alter protein structure/function; Has not been previously published as pathogenic or benign to our knowledge

Illumina Laboratory Services, Illumina
Classification: Uncertain significance for Mitochondrial trifunctional protein deficiency 1. Last evaluated: 2018-01-12. Review status: criteria provided, single submitter. Criteria: ICSL Variant Classification Criteria 13 December 2019. Collection method: clinical testing. Allele origin: germline.

Illumina Laboratory Services, Illumina
Classification: Uncertain significance for Long chain 3-hydroxyacyl-CoA dehydrogenase deficiency. Last evaluated: 2018-01-12. Review status: criteria provided, single submitter. Criteria: ICSL Variant Classification Criteria 13 December 2019. Collection method: clinical testing. Allele origin: germline.

Natera, Inc.
Classification: Uncertain significance for Deficiency of long-chain 3-hydroxyacyl-coenzyme A dehydrogenase. Last evaluated: 2020-09-16. Review status: no assertion criteria provided. Collection method: clinical testing. Allele origin: germline. Not counted in ClinVar's aggregate classification.

NM_000182.5(HADHA):c.325G>A (p.Ala109Thr)

Gene: HADHA (hydroxyacyl-CoA dehydrogenase trifunctional multienzyme complex subunit alpha; minus strand). Cytogenetic location: 2p23.3.
Variant type: single nucleotide variant.
Coding change: c.325G>A on transcript NM_000182.5 (MANE Select); coding-DNA position 325, G replaced by A.
Protein change: p.Ala109Thr; replaces alanine 109 with threonine.
Molecular consequence: missense variant.
Genome position (GRCh38, 1-based): chr2:26,234,345, C>T on the plus strand (G>A on the coding strand, the complement: HADHA is on the minus strand). VCF-style: chr2-26234345-C-T. GRCh37 (hg19) VCF-style: chr2-26457213-C-T.
Other names: short protein forms A109T.
Identifiers: ClinVar variation 646417 (VCV000646417.13), dbSNP rs368388214, ClinGen allele CA1559900.